The following is an entry in ClinVar:

NM_017721.5(CC2D1A):c.1933G>A (p.Val645Ile)

Gene: CC2D1A (coiled-coil and C2 domain containing 1A; plus strand). Cytogenetic location: 19p13.12.
Variant type: single nucleotide variant.
Coding change: c.1933G>A on transcript NM_017721.5 (MANE Select); coding-DNA position 1933, G replaced by A.
Protein change: p.Val645Ile; replaces valine 645 with isoleucine.
Molecular consequence: missense variant.
Genome position (GRCh38, 1-based): chr19:13,923,804, G>A. VCF-style: chr19-13923804-G-A. GRCh37 (hg19) VCF-style: chr19-14034617-G-A.
Other names: c.1933G>A, p.Val645Ile (NM_001411138.1); short protein forms V645I.
Identifiers: ClinVar variation 1782921 (VCV001782921.4), dbSNP rs188178946, ClinGen allele CA9244856.

ClinVar aggregate classification (germline): Conflicting classifications of pathogenicity. Review status: criteria provided, conflicting classifications (1 of 4 stars). 2 submissions from 2 submitters: Uncertain significance (1); Likely benign (1). Last evaluated 2024-12-04.

Conditions:
Inborn genetic diseases. Identifiers: MedGen C0950123, MeSH D030342.

Allele frequency attached by ClinVar (database versions not stated): TOPMed 0.00004; gnomAD 0.00005; gnomAD exomes 0.00005; ExAC 0.00004; 1000 Genomes Project 0.00020; 1000 Genomes Project 30x 0.00031.
gnomAD v4.1: 85 of 1,612,662 alleles (0.0053%); highest among the groups gnomAD compares: East Asian, 0.025%; no homozygotes.

Submissions (2):

Ambry Genetics
Classification: Likely benign for Inborn genetic diseases. Last evaluated: 2024-12-04. Review status: criteria provided, single submitter. Criteria: Ambry Variant Classification Scheme 2023. Collection method: clinical testing. Allele origin: germline.

GeneDx
Classification: Uncertain significance. Last evaluated: 2023-07-07. Review status: criteria provided, single submitter. Criteria: GeneDx Variant Classification Process June 2021. Collection method: clinical testing. Allele origin: germline. Affected: yes.
Comment: In silico analysis supports that this missense variant does not alter protein structure/function; Has not been previously published as pathogenic or benign to our knowledge